The following is an entry in ClinVar:

NM_002361.4(MAG):c.1468G>A (p.Ala490Thr)

Gene: MAG (myelin associated glycoprotein; plus strand). Cytogenetic location: 19q13.12.
Variant type: single nucleotide variant.
Coding change: c.1468G>A on transcript NM_002361.4 (MANE Select); coding-DNA position 1468, G replaced by A.
Protein change: p.Ala490Thr; replaces alanine 490 with threonine.
Molecular consequence: missense variant.
Genome position (GRCh38, 1-based): chr19:35,310,110, G>A. VCF-style: chr19-35310110-G-A. GRCh37 (hg19) VCF-style: chr19-35801013-G-A.
Other names: c.1393G>A, p.Ala465Thr (NM_001199216.2); c.1468G>A, p.Ala490Thr (NM_080600.3); c.1468G>A (NM_002361.3); short protein forms A490T, A465T.
Identifiers: ClinVar variation 1385400 (VCV001385400.6), dbSNP rs202083530, ClinGen allele CA9376283.

ClinVar aggregate classification (germline): Uncertain significance. Review status: criteria provided, multiple submitters, no conflicts (2 of 4 stars). 2 submissions from 2 submitters: Uncertain significance (2). Last evaluated 2025-04-22.

Conditions:
Inborn genetic diseases. Identifiers: MedGen C0950123, MeSH D030342.
Hereditary spastic paraplegia 75. Also called: Spastic paraplegia 75, autosomal recessive. Identifiers: Orphanet 459056, MedGen C4225250, MONDO:0014729, OMIM 616680.

Allele frequency attached by ClinVar (database versions not stated): ExAC 0.00003; gnomAD 0.00003; TOPMed 0.00003; gnomAD exomes 0.00004.

Submissions (2):

Labcorp Genetics (formerly Invitae), Labcorp
Classification: Uncertain significance for Hereditary spastic paraplegia 75. Last evaluated: 2025-04-22. Review status: criteria provided, single submitter. Criteria: Invitae Variant Classification Sherloc (09022015). Collection method: clinical testing. Allele origin: germline.
Comment: This sequence change replaces alanine, which is neutral and non-polar, with threonine, which is neutral and polar, at codon 490 of the MAG protein (p.Ala490Thr). This variant is present in population databases (rs202083530, gnomAD 0.01%). This variant has not been reported in the literature in individuals affected with MAG-related conditions. ClinVar contains an entry for this variant (Variation ID: 1385400). Invitae Evidence Modeling of protein sequence and biophysical properties (such as structural, functional, and spatial information, amino acid conservation, physicochemical variation, residue mobility, and thermodynamic stability) indicates that this missense variant is not expected to disrupt MAG protein function with a negative predictive value of 80%. In summary, the available evidence is currently insufficient to determine the role of this variant in disease. Therefore, it has been classified as a Variant of Uncertain Significance.

Ambry Genetics
Classification: Uncertain significance for Inborn genetic diseases. Last evaluated: 2021-01-13. Review status: criteria provided, single submitter. Criteria: Ambry Variant Classification Scheme 2023. Collection method: clinical testing. Allele origin: germline.
Comment: The c.1468G>A (p.A490T) alteration is located in exon 8 (coding exon 6) of the MAG gene. This alteration results from a G to A substitution at nucleotide position 1468, causing the alanine (A) at amino acid position 490 to be replaced by a threonine (T). The p.A490T alteration is predicted to be tolerated by in silico analysis. Based on insufficient or conflicting evidence, the clinical significance of this alteration remains unclear.